The following is an entry in ClinVar:

NM_001173990.3(TMEM216):c.35-3del

Gene: TMEM216 (transmembrane protein 216; plus strand). Cytogenetic location: 11q12.2.
Variant type: Deletion.
Coding change: c.35-3del on transcript NM_001173990.3 (MANE Select); 3 bases into the intron before coding-DNA position 35, one base deleted (C; older notation c.35-3delC).
Molecular consequence: intron variant.
Genome position (GRCh38, 1-based): chr11:61,393,228, C deleted. VCF-style (leftmost placement, unchanged base first): chr11-61393227-TC-T. GRCh37 (hg19) VCF-style: chr11-61160699-TC-T.
Other names: c.-149-3del (NM_016499.6, NM_001330285.2); c.35-3del (NM_001173991.3).
Identifiers: ClinVar variation 2114495 (VCV002114495.4), dbSNP rs2539891542, ClinGen allele CA2580084345.

ClinVar aggregate classification (germline): Uncertain significance (1 of 4 stars; one submission).

Conditions:
Joubert syndrome. Also called: CEREBELLOPARENCHYMAL DISORDER IV; JOUBERT-BOLTSHAUSER SYNDROME; Familial aplasia of the vermis. Identifiers: Orphanet 475, MedGen C5979921, MONDO:0018772.

Submission:

Labcorp Genetics (formerly Invitae), Labcorp
Classification: Uncertain significance for Joubert syndrome. Last evaluated: 2023-08-17. Review status: criteria provided, single submitter. Criteria: Invitae Variant Classification Sherloc (09022015). Collection method: clinical testing. Allele origin: germline.
Comment: In summary, the available evidence is currently insufficient to determine the role of this variant in disease. Therefore, it has been classified as a Variant of Uncertain Significance. Variants that disrupt the consensus splice site are a relatively common cause of aberrant splicing (PMID: 17576681, 9536098). Algorithms developed to predict the effect of sequence changes on RNA splicing suggest that this variant is not likely to affect RNA splicing. ClinVar contains an entry for this variant (Variation ID: 2114495). This variant has not been reported in the literature in individuals affected with TMEM216-related conditions. This variant is not present in population databases (gnomAD no frequency). This sequence change falls in intron 1 of the TMEM216 gene. It does not directly change the encoded amino acid sequence of the TMEM216 protein. It affects a nucleotide within the consensus splice site.

Literature cited by the submitters: PubMed 17576681; PubMed 9536098.